The following is an entry in ClinVar:

ClinVar aggregate classification (germline): Uncertain significance. Review status: criteria provided, multiple submitters, no conflicts (2 of 4 stars). 2 submissions from 2 submitters: Uncertain significance (2). Last evaluated 2023-12-01.

Allele frequency attached by ClinVar (database versions not stated): TOPMed 0.00001.
gnomAD v4.1: 9 of 1,613,132 alleles (0.00056%); highest among the groups gnomAD compares: Non-Finnish European, 0.00068%; no homozygotes.

Submissions (2):

CeGaT Center for Human Genetics Tuebingen
Classification: Uncertain significance. Last evaluated: 2023-12-01. Review status: criteria provided, single submitter. Criteria: CeGaT Center For Human Genetics Tuebingen Variant Classification Criteria Version 2. Collection method: clinical testing. Allele origin: germline. Affected: yes. Observed: 1 variant allele.
Comment: TTN: PM2

Eurofins Ntd Llc (ga)
Classification: Uncertain significance. Last evaluated: 2017-05-23. Review status: criteria provided, single submitter. Criteria: EGL Classification Definitions 2015. Collection method: clinical testing. Allele origin: germline. Observed: 1 variant allele, 1 heterozygote.

NM_001267550.2(TTN):c.17147G>A (p.Gly5716Asp)

Genes: TTN (titin; minus strand), LOC126806431 (CDK7 strongly-dependent group 2 enhancer GRCh37_chr2:179595719-179596918; plus strand). Cytogenetic location: 2q31.2.
Variant type: single nucleotide variant.
Coding change: c.17147G>A on transcript NM_001267550.2 (MANE Select); coding-DNA position 17147, G replaced by A.
Protein change: p.Gly5716Asp; replaces glycine 5716 with aspartic acid.
Molecular consequence: missense variant. On other transcripts: intron variant (3).
Genome position (GRCh38, 1-based): chr2:178,731,728, C>T on the plus strand (G>A on the coding strand, the complement: TTN is on the minus strand). VCF-style: chr2-178731728-C-T. GRCh37 (hg19) VCF-style: chr2-179596455-C-T.
Other names: c.16196G>A, p.Gly5399Asp (NM_001256850.1); c.13415G>A, p.Gly4472Asp (NM_133378.4); c.13282+6354G>A (NM_003319.4); c.13858+6354G>A (NM_133437.4); c.13657+6354G>A (NM_133432.3); short protein forms G4472D, G5716D, G5399D.
Identifiers: ClinVar variation 502090 (VCV000502090.27), dbSNP rs952474808, ClinGen allele CA60979320.